The following is an entry in ClinVar:

ClinVar aggregate classification (germline): Uncertain significance. Review status: criteria provided, multiple submitters, no conflicts (2 of 4 stars). 3 submissions from 3 submitters: Uncertain significance (3). Last evaluated 2025-08-10.

Conditions:
Cardiovascular phenotype. Identifiers: MedGen CN230736.
Hypertrophic cardiomyopathy 14. Identifiers: MedGen C2750467, MONDO:0013197, OMIM 613251.

Allele frequency attached by ClinVar (database versions not stated): gnomAD 0.00001.
gnomAD v4.1: 29 of 1,613,784 alleles (0.0018%); highest among the groups gnomAD compares: Non-Finnish European, 0.0024%; no homozygotes.

Submissions (3):

Ambry Genetics
Classification: Uncertain significance for Cardiovascular phenotype. Last evaluated: 2025-08-10. Review status: criteria provided, single submitter. Criteria: Ambry Variant Classification Scheme 2023. Collection method: clinical testing. Allele origin: germline.

Labcorp Genetics (formerly Invitae), Labcorp
Classification: Uncertain significance for Hypertrophic cardiomyopathy 14. Last evaluated: 2024-06-12. Review status: criteria provided, single submitter. Criteria: Invitae Variant Classification Sherloc (09022015). Collection method: clinical testing. Allele origin: germline.
Comment: This sequence change replaces asparagine, which is neutral and polar, with lysine, which is basic and polar, at codon 1524 of the MYH6 protein (p.Asn1524Lys). This variant is present in population databases (rs558533091, gnomAD 0.0009%). This variant has not been reported in the literature in individuals affected with MYH6-related conditions. ClinVar contains an entry for this variant (Variation ID: 2146207). Advanced modeling of protein sequence and biophysical properties (such as structural, functional, and spatial information, amino acid conservation, physicochemical variation, residue mobility, and thermodynamic stability) performed at Invitae indicates that this missense variant is not expected to disrupt MYH6 protein function with a negative predictive value of 80%. In summary, the available evidence is currently insufficient to determine the role of this variant in disease. Therefore, it has been classified as a Variant of Uncertain Significance.

Women's Health and Genetics/Laboratory Corporation of America, LabCorp
Classification: Uncertain significance. Last evaluated: 2024-04-16. Review status: criteria provided, single submitter. Criteria: LabCorp Variant Classification Summary - May 2015. Collection method: clinical testing. Allele origin: germline.
Comment: Variant summary: MYH6 c.4572T>G (p.Asn1524Lys) results in a non-conservative amino acid change located in the Myosin tail (IPR002928) of the encoded protein sequence. Three of five in-silico tools predict a benign effect of the variant on protein function. The variant allele was found at a frequency of 1.8e-05 in 1613784 control chromosomes (gnomAD v4.0.0). This frequency is not significantly higher than estimated for a pathogenic variant in MYH6 causing Cardiomyopathy (1.8e-05 vs 2.5e-05), allowing no conclusion about variant significance. To our knowledge, no occurrence of c.4572T>G in individuals affected with Cardiomyopathy and no experimental evidence demonstrating its impact on protein function have been reported. ClinVar contains an entry for this variant (Variation ID: 2146207). Based on the evidence outlined above, the variant was classified as uncertain significance.

NM_002471.4(MYH6):c.4572T>G (p.Asn1524Lys)

Gene: MYH6 (myosin heavy chain 6; minus strand). Cytogenetic location: 14q11.2.
Variant type: single nucleotide variant.
Coding change: c.4572T>G on transcript NM_002471.4 (MANE Select); coding-DNA position 4572, T replaced by G.
Protein change: p.Asn1524Lys; replaces asparagine 1524 with lysine.
Molecular consequence: missense variant.
Genome position (GRCh38, 1-based): chr14:23,387,607, A>C on the plus strand (T>G on the coding strand, the complement: MYH6 is on the minus strand). VCF-style: chr14-23387607-A-C. GRCh37 (hg19) VCF-style: chr14-23856816-A-C.
Other names: short protein forms N1524K.
Identifiers: ClinVar variation 2146207 (VCV002146207.7), dbSNP rs558533091, ClinGen allele CA388996241.
Genomic context (GRCh38, chr14:23,387,607, plus strand): 5'-TGACTGCAGCTCCAGCTTCTCCACCTCCAGCTGTTTGCGGACCTTCTCCAGCTCATGCAC[A>C]TTCTTTCCTCCTTCTCCTAGCTGCTCAGTAAGGTCCGAGATTTCCTCTGGGGACCAGAGG-3'
Protein context (NP_002462.2, residues 1514-1534): LTEQLGEGGK[Asn1524Lys]VHELEKVRKQ